The following is an entry in ClinVar:

NM_018557.3(LRP1B):c.12828A>C (p.Ala4276=)

Gene: LRP1B (LDL receptor related protein 1B; minus strand). Cytogenetic location: 2q22.1.
Variant type: single nucleotide variant.
Coding change: c.12828A>C on transcript NM_018557.3 (MANE Select); coding-DNA position 12828, A replaced by C.
Protein change: p.Ala4276=; no amino-acid change (alanine 4276 retained).
Molecular consequence: synonymous variant.
Genome position (GRCh38, 1-based): chr2:140,297,947, T>G on the plus strand (A>C on the coding strand, the complement: LRP1B is on the minus strand). VCF-style: chr2-140297947-T-G. GRCh37 (hg19) VCF-style: chr2-141055516-T-G.
Identifiers: ClinVar variation 3039093 (VCV003039093.2), dbSNP rs149487197, ClinGen allele CA1892700.

ClinVar aggregate classification (germline): Likely benign (0 of 4 stars; one submission).

Conditions:
LRP1B-related disorder. Also called: LRP1B-related condition.

Allele frequency attached by ClinVar (database versions not stated): 1000 Genomes Project 30x 0.00016; 1000 Genomes Project 0.00020; TOPMed 0.00113; gnomAD 0.00130; ESP Exome Variant Server 0.00138.
gnomAD v4.1: 3,028 of 1,612,388 alleles (0.19%); highest among the groups gnomAD compares: Non-Finnish European, 0.24%; 7 homozygotes.

Submission:

PreventionGenetics, part of Exact Sciences
Classification: Likely benign for LRP1B-related condition. Last evaluated: 2019-05-21. Review status: no assertion criteria provided. Collection method: clinical testing. Allele origin: germline.
Comment: This variant is classified as likely benign based on ACMG/AMP sequence variant interpretation guidelines (Richards et al. 2015 PMID: 25741868, with internal and published modifications).